The following is an entry in ClinVar:

ClinVar aggregate classification (germline): Uncertain significance (1 of 4 stars; one submission).

Submission:

Labcorp Genetics (formerly Invitae), Labcorp
Classification: Uncertain significance. Last evaluated: 2021-06-19. Review status: criteria provided, single submitter. Criteria: Invitae Variant Classification Sherloc (09022015). Collection method: clinical testing. Allele origin: germline.
Comment: In summary, the available evidence is currently insufficient to determine the role of this variant in disease. Therefore, it has been classified as a Variant of Uncertain Significance. Algorithms developed to predict the effect of missense changes on protein structure and function (SIFT, PolyPhen-2, Align-GVGD) all suggest that this variant is likely to be disruptive, but these predictions have not been confirmed by published functional studies and their clinical significance is uncertain. This variant has not been reported in the literature in individuals with DEF6-related conditions. This variant is not present in population databases (ExAC no frequency). This sequence change replaces glutamic acid with glycine at codon 302 of the DEF6 protein (p.Glu302Gly). The glutamic acid residue is highly conserved and there is a moderate physicochemical difference between glutamic acid and glycine.

NM_022047.4(DEF6):c.905A>G (p.Glu302Gly)

Gene: DEF6 (DEF6 guanine nucleotide exchange factor; plus strand). Cytogenetic location: 6p21.31.
Variant type: single nucleotide variant.
Coding change: c.905A>G on transcript NM_022047.4 (MANE Select); coding-DNA position 905, A replaced by G.
Protein change: p.Glu302Gly; replaces glutamic acid 302 with glycine.
Molecular consequence: missense variant.
Genome position (GRCh38, 1-based): chr6:35,317,988, A>G. VCF-style: chr6-35317988-A-G. GRCh37 (hg19) VCF-style: chr6-35285765-A-G.
Other names: short protein forms E302G.
Identifiers: ClinVar variation 1500207 (VCV001500207.8), dbSNP rs2150388733, ClinGen allele CA363766086.